The following is an entry in ClinVar:

ClinVar aggregate classification (germline): Benign/Likely benign. Review status: criteria provided, multiple submitters, no conflicts (2 of 4 stars). 6 submissions from 6 submitters: Benign (1); Likely benign (4). 1 of the submissions does not count toward it. Last evaluated 2026-01-02.

Conditions:
Hereditary nonpolyposis colorectal neoplasms. Identifiers: MedGen C0009405, MeSH D003123.
Hereditary cancer-predisposing syndrome. Also called: Hereditary Cancer Syndrome; Hereditary neoplastic syndrome; Tumor predisposition; Neoplastic Syndromes, Hereditary. Identifiers: Orphanet 140162, MedGen C0027672, MeSH D009386, MONDO:0015356.
Lynch syndrome. Identifiers: Orphanet 144, MedGen C4552100, MONDO:0005835. Disease mechanism: loss of function.

Allele frequency attached by ClinVar (database versions not stated): gnomAD exomes 0.00001 and 0.00002; ExAC 0.00003; gnomAD 0.00003 and 0.00004; TOPMed 0.00006; ESP Exome Variant Server 0.00015.
gnomAD v4.1: 17 of 1,613,292 alleles (0.0011%); highest among the groups gnomAD compares: African/African-American, 0.008%; no homozygotes.

Submissions (6):

Labcorp Genetics (formerly Invitae), Labcorp
Classification: Likely benign for Hereditary nonpolyposis colorectal neoplasms. Last evaluated: 2026-01-02. Review status: criteria provided, single submitter. Criteria: Invitae Variant Classification Sherloc (09022015). Collection method: clinical testing. Allele origin: germline.

Center for Genomic Medicine, Rigshospitalet, Copenhagen University Hospital
Classification: Likely benign. Last evaluated: 2025-03-04. Review status: criteria provided, single submitter. Criteria: ACMG Guidelines, 2015. Collection method: clinical testing. Allele origin: germline.

Blueprint Genetics
Classification: Likely benign. Last evaluated: 2024-08-05. Review status: criteria provided, single submitter. Criteria: ACMG Guidelines, 2015. Collection method: clinical testing. Allele origin: germline.

Color Diagnostics, LLC DBA Color Health
Classification: Likely benign for Hereditary cancer-predisposing syndrome. Last evaluated: 2017-03-19. Review status: criteria provided, single submitter. Criteria: ACMG Guidelines, 2015. Collection method: clinical testing. Allele origin: germline.

GeneDx
Classification: Benign. Last evaluated: 2015-08-18. Review status: criteria provided, single submitter. Criteria: GeneDx Variant Classification (06012015). Collection method: clinical testing. Allele origin: germline. Affected: yes.
Comment: This variant is considered likely benign or benign based on one or more of the following criteria: it is a conservative change, it occurs at a poorly conserved position in the protein, it is predicted to be benign by multiple in silico algorithms, and/or has population frequency not consistent with disease.

Department of Pathology and Laboratory Medicine, Sinai Health System
Classification: Likely benign for Lynch syndrome. Review status: no assertion criteria provided. Collection method: clinical testing. Allele origin: unknown. Affected: yes. Study: The Canadian Open Genetics Repository (COGR). Not counted in ClinVar's aggregate classification.
Comment: The PMS2 c.705+12C>T variant was not identified in the literature. The variant was identified in dbSNP (ID: rs368486366) as "With Likely benign allele" and ClinVar (classified as benign by GeneDx; as likely benign by Color). The variant was identified in control databases in 6 of 246260 chromosomes at a frequency of 0.00002 (Genome Aggregation Database Feb 27, 2017). The variant was observed in the following populations: African in 4 of 15304 chromosomes (freq: 0.0003, increasing the likelihood that this could be a low frequency benign variant) and Latino in 2 of 33582 chromosomes (freq: 0.00006), while it was not observed in the Other, European, Ashkenazi Jewish, East Asian, Finnish, or South Asian populations. The variant occurs outside of the splicing consensus sequence and in silico or computational prediction software programs (SpliceSiteFinder, MaxEntScan, NNSPLICE, GeneSplicer) do not predict a difference in splicing. In summary, based on the above information, the clinical significance of this variant cannot be determined with certainty at this time although we would lean towards a more benign role for this variant. This variant is classified as likely benign.

NM_000535.7(PMS2):c.705+12C>T

Gene: PMS2 (PMS1 homolog 2, mismatch repair system component; minus strand). Cytogenetic location: 7p22.1.
Variant type: single nucleotide variant.
Coding change: c.705+12C>T on transcript NM_000535.7 (MANE Select); 12 bases into the intron after coding-DNA position 705, C replaced by T.
Molecular consequence: intron variant.
Genome position (GRCh38, 1-based): chr7:5,999,096, G>A on the plus strand (C>T on the coding strand, the complement: PMS2 is on the minus strand). VCF-style: chr7-5999096-G-A. GRCh37 (hg19) VCF-style: chr7-6038727-G-A.
Other names: c.387+12C>T (NM_001322008.2, NM_001322007.2); c.300+12C>T (NM_001322010.2, NM_001322004.2, NM_001322003.2 and 2 more transcripts); c.133-1673C>T (NM_001322013.2); c.-229+12C>T (NM_001322012.2, NM_001322011.2); c.396+12C>T (NM_001322015.2); c.705+12C>T (NM_001322006.2, NM_001322014.2).
Identifiers: ClinVar variation 378383 (VCV000378383.14), dbSNP rs368486366, ClinGen allele CA050990.